The following is an entry in ClinVar:

NM_001999.4(FBN2):c.1280C>T (p.Pro427Leu)

Gene: FBN2 (fibrillin 2; minus strand). Cytogenetic location: 5q23.3.
Variant type: single nucleotide variant.
Coding change: c.1280C>T on transcript NM_001999.4 (MANE Select); coding-DNA position 1280, C replaced by T.
Protein change: p.Pro427Leu; replaces proline 427 with leucine.
Molecular consequence: missense variant.
Genome position (GRCh38, 1-based): chr5:128,393,320, G>A on the plus strand (C>T on the coding strand, the complement: FBN2 is on the minus strand). VCF-style: chr5-128393320-G-A. GRCh37 (hg19) VCF-style: chr5-127729013-G-A.
Other names: short protein forms P427L.
Identifiers: ClinVar variation 2715018 (VCV002715018.3), dbSNP rs373400764, ClinGen allele CA3395830.
Genomic context (GRCh38, chr5:128,393,320, plus strand): 5'-TTGCCACTTGGGGCAAAGCCATTTCCCCCAGTGCCTCCAGGTCTGGAACCAGCACTCCCT[G>A]GAATTCCTCCCATTGGAAGTCCATCCATGCAAAGTCTGCGATATTCCTCTAGAAGAAAAG-3'
Protein context (NP_001990.2, residues 417-437): CMDGLPMGGI[Pro427Leu]GSAGSRPGGT

ClinVar aggregate classification (germline): Uncertain significance (1 of 4 stars; one submission).

Conditions:
Congenital contractural arachnodactyly (CCA). Also called: BEALS SYNDROME; Arthrogryposis, distal, type 9; Beals-Hecht syndrome. Identifiers: Orphanet 115, MedGen C0220668, MONDO:0007363, OMIM 121050.

Allele frequency attached by ClinVar (database versions not stated): ExAC 0.00001; gnomAD exomes 0.00001; ESP Exome Variant Server 0.00008.

Submission:

Labcorp Genetics (formerly Invitae), Labcorp
Classification: Uncertain significance for Congenital contractural arachnodactyly. Last evaluated: 2023-07-25. Review status: criteria provided, single submitter. Criteria: Invitae Variant Classification Sherloc (09022015). Collection method: clinical testing. Allele origin: germline.
Comment: In summary, the available evidence is currently insufficient to determine the role of this variant in disease. Therefore, it has been classified as a Variant of Uncertain Significance. Advanced modeling of protein sequence and biophysical properties (such as structural, functional, and spatial information, amino acid conservation, physicochemical variation, residue mobility, and thermodynamic stability) performed at Invitae indicates that this missense variant is not expected to disrupt FBN2 protein function. This variant has not been reported in the literature in individuals affected with FBN2-related conditions. This variant is present in population databases (rs373400764, gnomAD 0.0009%). This sequence change replaces proline, which is neutral and non-polar, with leucine, which is neutral and non-polar, at codon 427 of the FBN2 protein (p.Pro427Leu).